The following is an entry in ClinVar:

NM_000264.5(PTCH1):c.3641C>T (p.Thr1214Met)

Gene: PTCH1 (patched 1; minus strand). Cytogenetic location: 9q22.32.
Variant type: single nucleotide variant.
Coding change: c.3641C>T on transcript NM_000264.5 (MANE Select); coding-DNA position 3641, C replaced by T.
Protein change: p.Thr1214Met; replaces threonine 1214 with methionine.
Molecular consequence: missense variant. On other transcripts: non-coding transcript variant (1).
Genome position (GRCh38, 1-based): chr9:95,449,232, G>A on the plus strand (C>T on the coding strand, the complement: PTCH1 is on the minus strand). VCF-style: chr9-95449232-G-A. GRCh37 (hg19) VCF-style: chr9-98211514-G-A.
Other names: c.3443C>T, p.Thr1148Met (NM_001083602.3); c.3638C>T, p.Thr1213Met (NM_001083603.3); c.3188C>T, p.Thr1063Met (NM_001083604.3, NM_001083605.3, NM_001083606.3 and 1 more transcripts); c.3485C>T, p.Thr1162Met (NM_001354918.2); short protein forms T1148M, T1214M, T1213M, T1162M, T1063M.
Identifiers: ClinVar variation 237484 (VCV000237484.22), dbSNP rs200029534, ClinGen allele CA5138095.

ClinVar aggregate classification (germline): Likely benign. Review status: criteria provided, multiple submitters, no conflicts (2 of 4 stars). 7 submissions from 7 submitters: Likely benign (5). 2 of the submissions do not count toward it. Last evaluated 2026-01-21.

Conditions:
Fraser syndrome 3. Identifiers: MedGen C4540040, MONDO:0054739, OMIM 617667.
PTCH1-related disorder. Also called: PTCH1-related disorders; PTCH1-related condition.
Hereditary cancer-predisposing syndrome. Also called: Tumor predisposition; Hereditary Cancer Syndrome; Hereditary neoplastic syndrome; Neoplastic Syndromes, Hereditary. Identifiers: Orphanet 140162, MedGen C0027672, MeSH D009386, MONDO:0015356.
Gorlin syndrome. Also called: Nevoid Basal Cell Carcinoma Syndrome; Basal cell nevus syndrome. Identifiers: Orphanet 377, MedGen C0004779, MONDO:0007187.

Allele frequency attached by ClinVar (database versions not stated): gnomAD 0.00003 and 0.00017; TOPMed 0.00003; gnomAD exomes 0.00016 and 0.00036; ExAC 0.00068; 1000 Genomes Project 0.00080; 1000 Genomes Project 30x 0.00109.
gnomAD v4.1: 255 of 1,589,366 alleles (0.016%); highest among the groups gnomAD compares: South Asian, 0.25%; 2 homozygotes.

Submissions (7):

Labcorp Genetics (formerly Invitae), Labcorp
Classification: Likely benign for Gorlin syndrome. Last evaluated: 2026-01-21. Review status: criteria provided, single submitter. Criteria: Invitae Variant Classification Sherloc (09022015). Collection method: clinical testing. Allele origin: germline.

Center for Genomic Medicine, Rigshospitalet, Copenhagen University Hospital
Classification: Likely benign. Last evaluated: 2025-03-04. Review status: criteria provided, single submitter. Criteria: ACMG Guidelines, 2015. Collection method: clinical testing. Allele origin: germline.
Comment: Classification criteria: BP4_moderate

KCCC/NGS Laboratory, Kuwait Cancer Control Center
Classification: Likely benign for Basal cell nevus syndrome 1. Last evaluated: 2023-07-07. Review status: criteria provided, single submitter. Criteria: ACMG Guidelines, 2015. Collection method: clinical testing. Allele origin: germline. Affected: yes.

Sema4
Classification: Likely benign for Hereditary cancer-predisposing syndrome. Last evaluated: 2021-03-22. Review status: criteria provided, single submitter. Criteria: Sema4 Curation Guidelines. Collection method: curation. Allele origin: germline.

Ambry Genetics
Classification: Likely benign for Hereditary cancer-predisposing syndrome. Last evaluated: 2018-09-27. Review status: criteria provided, single submitter. Criteria: Ambry Variant Classification Scheme 2023. Collection method: clinical testing. Allele origin: germline.

PreventionGenetics, part of Exact Sciences
Classification: Likely benign for PTCH1-related condition. Last evaluated: 2021-03-24. Review status: no assertion criteria provided. Collection method: clinical testing. Allele origin: germline. Not counted in ClinVar's aggregate classification.
Comment: This variant is classified as likely benign based on ACMG/AMP sequence variant interpretation guidelines (Richards et al. 2015 PMID: 25741868, with internal and published modifications).

Department of Molecular Biology and Genetics, Acibadem University
Classification: Uncertain significance for Fraser syndrome 3. Review status: no assertion criteria provided. Collection method: research. Allele origin: unknown. Affected: yes. Not counted in ClinVar's aggregate classification.